The following is an entry in ClinVar:

ClinVar aggregate classification (germline): Uncertain significance (1 of 4 stars; one submission).

Allele frequency attached by ClinVar (database versions not stated): gnomAD exomes below 0.00001.
gnomAD v4.1: 3 of 1,461,356 alleles (0.00021%); highest among the groups gnomAD compares: African/African-American, 0.0015%; no homozygotes.

Submission:

Labcorp Genetics (formerly Invitae), Labcorp
Classification: Uncertain significance. Last evaluated: 2022-08-16. Review status: criteria provided, single submitter. Criteria: Invitae Variant Classification Sherloc (09022015). Collection method: clinical testing. Allele origin: germline.
Comment: This sequence change replaces proline, which is neutral and non-polar, with leucine, which is neutral and non-polar, at codon 2408 of the PCLO protein (p.Pro2408Leu). This variant is not present in population databases (gnomAD no frequency). This variant has not been reported in the literature in individuals affected with PCLO-related conditions. Algorithms developed to predict the effect of missense changes on protein structure and function are either unavailable or do not agree on the potential impact of this missense change (SIFT: "Tolerated"; PolyPhen-2: "Not Available"; Align-GVGD: "Class C0"). In summary, the available evidence is currently insufficient to determine the role of this variant in disease. Therefore, it has been classified as a Variant of Uncertain Significance.

NM_033026.6(PCLO):c.7223C>T (p.Pro2408Leu)

Gene: PCLO (piccolo presynaptic cytomatrix protein; minus strand). Cytogenetic location: 7q21.11.
Variant type: single nucleotide variant.
Coding change: c.7223C>T on transcript NM_033026.6 (MANE Select); coding-DNA position 7223, C replaced by T.
Protein change: p.Pro2408Leu; replaces proline 2408 with leucine.
Molecular consequence: missense variant.
Genome position (GRCh38, 1-based): chr7:82,953,730, G>A on the plus strand (C>T on the coding strand, the complement: PCLO is on the minus strand). VCF-style: chr7-82953730-G-A. GRCh37 (hg19) VCF-style: chr7-82583046-G-A.
Other names: c.7223C>T, p.Pro2408Leu (NM_014510.3); short protein forms P2408L.
Identifiers: ClinVar variation 1952652 (VCV001952652.2), dbSNP rs1795427045, ClinGen allele CA367917431.